The following is an entry in ClinVar:

ClinVar aggregate classification (germline): Uncertain significance (1 of 4 stars; one submission).

Submission:

Labcorp Genetics (formerly Invitae), Labcorp
Classification: Uncertain significance. Last evaluated: 2024-05-22. Review status: criteria provided, single submitter. Criteria: Invitae Variant Classification Sherloc (09022015). Collection method: clinical testing. Allele origin: germline.
Comment: This sequence change replaces cysteine, which is neutral and slightly polar, with tryptophan, which is neutral and slightly polar, at codon 2 of the ASNS protein (p.Cys2Trp). This variant is not present in population databases (gnomAD no frequency). This variant has not been reported in the literature in individuals affected with ASNS-related conditions. Advanced modeling of protein sequence and biophysical properties (such as structural, functional, and spatial information, amino acid conservation, physicochemical variation, residue mobility, and thermodynamic stability) performed at Invitae indicates that this missense variant is expected to disrupt ASNS protein function with a positive predictive value of 80%. In summary, the available evidence is currently insufficient to determine the role of this variant in disease. Therefore, it has been classified as a Variant of Uncertain Significance.

NM_001673.5(ASNS):c.6T>G (p.Cys2Trp)

Genes: ASNS (asparagine synthetase (glutamine-hydrolyzing); minus strand), CZ1P-ASNS (CZ1P-ASNS readthrough; minus strand). Cytogenetic location: 7q21.3.
Variant type: single nucleotide variant.
Coding change: c.6T>G on transcript NM_001673.5 (MANE Select); coding-DNA position 6, T replaced by G.
Protein change: p.Cys2Trp; replaces cysteine 2 with tryptophan.
Molecular consequence: missense variant. On other transcripts: intron variant (3), non-coding transcript variant (1).
Genome position (GRCh38, 1-based): chr7:97,869,151, A>C on the plus strand (T>G on the coding strand, the complement: ASNS is on the minus strand). VCF-style: chr7-97869151-A-C. GRCh37 (hg19) VCF-style: chr7-97498463-A-C.
Other names: c.-1+2890T>G (NM_001178077.1); c.6T>G, p.Cys2Trp (NM_001352496.2, NM_133436.3, NM_183356.4); c.-1+3200T>G (NM_001178076.2); c.-12-46T>G (NM_001178075.2); short protein forms C2W.
Identifiers: ClinVar variation 3677979 (VCV003677979.2).